The following is an entry in ClinVar:

NM_001127208.3(TET2):c.1019T>C (p.Ile340Thr)

Genes: TET2 (tet methylcytosine dioxygenase 2; plus strand), TET2-AS1 (TET2 antisense RNA 1; minus strand). Cytogenetic location: 4q24.
Variant type: single nucleotide variant.
Coding change: c.1019T>C on transcript NM_001127208.3 (MANE Select); coding-DNA position 1019, T replaced by C.
Protein change: p.Ile340Thr; replaces isoleucine 340 with threonine.
Molecular consequence: missense variant.
Genome position (GRCh38, 1-based): chr4:105,234,961, T>C. VCF-style: chr4-105234961-T-C. GRCh37 (hg19) VCF-style: chr4-106156118-T-C.
Other names: c.1019T>C, p.Ile340Thr (NM_017628.4); short protein forms I340T.
Identifiers: ClinVar variation 3455293 (VCV003455293.3).
Genomic context (GRCh38, chr4:105,234,961, plus strand): 5'-AACAACTACAACAACAAAAATCAGTTTTTGAGATATGCCCATCTCCTGCAGAAAATAACA[T>C]CCAGGGAACCACAAAGCTAGCGTCTGGTGAAGAATTCTGTTCAGGTTCCAGCAGCAATTT-3'
Protein context (NP_001120680.1, residues 330-350): EICPSPAENN[Ile340Thr]QGTTKLASGE

ClinVar aggregate classification (germline): Uncertain significance. Review status: criteria provided, multiple submitters, no conflicts (2 of 4 stars). 2 submissions from 2 submitters: Uncertain significance (2). Last evaluated 2024-11-18.

gnomAD v4.1: 12 of 1,613,796 alleles (0.00074%); highest among the groups gnomAD compares: African/African-American, 0.016%; no homozygotes.

Submissions (2):

Ambry Genetics
Classification: Uncertain significance. Last evaluated: 2024-11-18. Review status: criteria provided, single submitter. Criteria: Ambry Variant Classification Scheme 2023. Collection method: clinical testing. Allele origin: germline.
Comment: The p.I340T variant (also known as c.1019T>C), located in coding exon 1 of the TET2 gene, results from a T to C substitution at nucleotide position 1019. The isoleucine at codon 340 is replaced by threonine, an amino acid with similar properties. This amino acid position is conserved. In addition, this alteration is predicted to be tolerated by in silico analysis. Based on the available evidence, the clinical significance of this variant remains unclear.

Labcorp Genetics (formerly Invitae), Labcorp
Classification: Uncertain significance. Last evaluated: 2024-07-27. Review status: criteria provided, single submitter. Criteria: Invitae Variant Classification Sherloc (09022015). Collection method: clinical testing. Allele origin: germline.
Comment: This sequence change replaces isoleucine, which is neutral and non-polar, with threonine, which is neutral and polar, at codon 340 of the TET2 protein (p.Ile340Thr). This variant is present in population databases (rs368403190, gnomAD 0.02%). This variant has not been reported in the literature in individuals affected with TET2-related conditions. An algorithm developed to predict the effect of missense changes on protein structure and function outputs the following: PolyPhen-2: "Benign". The threonine amino acid residue is found in multiple mammalian species, which suggests that this missense change does not adversely affect protein function. In summary, the available evidence is currently insufficient to determine the role of this variant in disease. Therefore, it has been classified as a Variant of Uncertain Significance.